The following is an entry in ClinVar:

ClinVar aggregate classification (germline): Uncertain significance (1 of 4 stars; one submission).

Allele frequency attached by ClinVar (database versions not stated): gnomAD exomes below 0.00001.
gnomAD v4.1: 2 of 1,550,108 alleles (0.00013%); highest among the groups gnomAD compares: Non-Finnish European, 0.00017%; no homozygotes.

Submission:

Labcorp Genetics (formerly Invitae), Labcorp
Classification: Uncertain significance. Last evaluated: 2021-10-19. Review status: criteria provided, single submitter. Criteria: Invitae Variant Classification Sherloc (09022015). Collection method: clinical testing. Allele origin: germline.
Comment: In summary, the available evidence is currently insufficient to determine the role of this variant in disease. Therefore, it has been classified as a Variant of Uncertain Significance. Variants that disrupt the consensus splice site are a relatively common cause of aberrant splicing (PMID: 17576681, 9536098). Algorithms developed to predict the effect of sequence changes on RNA splicing suggest that this variant may create or strengthen a splice site. This variant has not been reported in the literature in individuals affected with PACS2-related conditions. This variant is not present in population databases (ExAC no frequency). This sequence change falls in intron 11 of the PACS2 gene. It does not directly change the encoded amino acid sequence of the PACS2 protein. It affects a nucleotide within the consensus splice site.

Literature cited by the submitters: PubMed 17576681; PubMed 9536098.

NM_001100913.3(PACS2):c.1125+6C>T

Gene: PACS2 (phosphofurin acidic cluster sorting protein 2; plus strand). Cytogenetic location: 14q32.33.
Variant type: single nucleotide variant.
Coding change: c.1125+6C>T on transcript NM_001100913.3 (MANE Select); 6 bases into the intron after coding-DNA position 1125, C replaced by T.
Molecular consequence: intron variant.
Genome position (GRCh38, 1-based): chr14:105,380,160, C>T. VCF-style: chr14-105380160-C-T. GRCh37 (hg19) VCF-style: chr14-105846497-C-T.
Other names: c.900+6C>T (NM_001243127.3); c.1125+6C>T (NM_015197.4).
Identifiers: ClinVar variation 1387986 (VCV001387986.6), dbSNP rs2141230381, ClinGen allele CA2573150561.